The following is an entry in ClinVar:

NM_001145809.2(MYH14):c.4907G>A (p.Arg1636His)

Gene: MYH14 (myosin heavy chain 14; plus strand). Cytogenetic location: 19q13.33.
Variant type: single nucleotide variant.
Coding change: c.4907G>A on transcript NM_001145809.2 (MANE Select); coding-DNA position 4907, G replaced by A.
Protein change: p.Arg1636His; replaces arginine 1636 with histidine.
Molecular consequence: missense variant.
Genome position (GRCh38, 1-based): chr19:50,289,590, G>A. VCF-style: chr19-50289590-G-A. GRCh37 (hg19) VCF-style: chr19-50792847-G-A.
Other names: c.4808G>A, p.Arg1603His (NM_001077186.2); c.4784G>A, p.Arg1595His (NM_024729.4); short protein forms R1636H, R1595H, R1603H.
Identifiers: ClinVar variation 4747651 (VCV004747651.1).

ClinVar aggregate classification (germline): Uncertain significance (1 of 4 stars; one submission).

Submission:

Labcorp Genetics (formerly Invitae), Labcorp
Classification: Uncertain significance. Last evaluated: 2025-06-10. Review status: criteria provided, single submitter. Criteria: Invitae Variant Classification Sherloc (09022015). Collection method: clinical testing. Allele origin: germline.
Comment: This sequence change replaces arginine, which is basic and polar, with histidine, which is basic and polar, at codon 1595 of the MYH14 protein (p.Arg1595His). This variant is present in population databases (rs777365263, gnomAD 0.01%). This variant has not been reported in the literature in individuals affected with MYH14-related conditions. Invitae Evidence Modeling of protein sequence and biophysical properties (such as structural, functional, and spatial information, amino acid conservation, physicochemical variation, residue mobility, and thermodynamic stability) indicates that this missense variant is expected to disrupt MYH14 protein function with a positive predictive value of 80%. In summary, the available evidence is currently insufficient to determine the role of this variant in disease. Therefore, it has been classified as a Variant of Uncertain Significance.